The following is an entry in ClinVar:

ClinVar aggregate classification (germline): Likely benign (1 of 4 stars; one submission).

gnomAD v4.1: 145 of 1,613,506 alleles (0.009%); highest among the groups gnomAD compares: African/African-American, 0.11%; 2 homozygotes.

Submission:

CeGaT Center for Human Genetics Tuebingen
Classification: Likely benign. Last evaluated: 2026-04-01. Review status: criteria provided, single submitter. Criteria: CeGaT Center For Human Genetics Tuebingen Variant Classification Criteria Version 2. Collection method: clinical testing. Allele origin: germline. Affected: yes. Observed: 1 variant allele.
Comment: ANO1: BP4, BP7

NM_018043.7(ANO1):c.744G>A (p.Thr248=)

Gene: ANO1 (anoctamin 1; plus strand). Cytogenetic location: 11q13.3.
Variant type: single nucleotide variant.
Coding change: c.744G>A on transcript NM_018043.7 (MANE Select); coding-DNA position 744, G replaced by A.
Protein change: p.Thr248=; no amino-acid change (threonine 248 retained).
Molecular consequence: synonymous variant. On other transcripts: non-coding transcript variant (1).
Genome position (GRCh38, 1-based): chr11:70,105,785, G>A. VCF-style: chr11-70105785-G-A. GRCh37 (hg19) VCF-style: chr11-69951891-G-A.
Other names: c.867G>A, p.Thr289= (NM_001378092.1); c.744G>A, p.Thr248= (NM_001378093.1, NM_001378094.2, NM_001378095.2 and 1 more transcripts); c.645G>A, p.Thr215= (NM_001378097.2).
Identifiers: ClinVar variation 4872708 (VCV004872708.2).